The following is an entry in ClinVar:

NM_006231.4(POLE):c.1046A>G (p.Glu349Gly)

Gene: POLE (DNA polymerase epsilon, catalytic subunit; minus strand). Cytogenetic location: 12q24.33.
Variant type: single nucleotide variant.
Coding change: c.1046A>G on transcript NM_006231.4 (MANE Select); coding-DNA position 1046, A replaced by G.
Protein change: p.Glu349Gly; replaces glutamic acid 349 with glycine.
Molecular consequence: missense variant.
Genome position (GRCh38, 1-based): chr12:132,675,795, T>C on the plus strand (A>G on the coding strand, the complement: POLE is on the minus strand). VCF-style: chr12-132675795-T-C. GRCh37 (hg19) VCF-style: chr12-133252381-T-C.
Other names: short protein forms E349G.
Identifiers: ClinVar variation 486121 (VCV000486121.16), dbSNP rs1555229230, ClinGen allele CA387361705.

ClinVar aggregate classification (germline): Uncertain significance. Review status: criteria provided, multiple submitters, no conflicts (2 of 4 stars). 2 submissions from 2 submitters: Uncertain significance (2). Last evaluated 2025-10-05.

Conditions:
Hereditary cancer-predisposing syndrome. Also called: Tumor predisposition; Hereditary Cancer Syndrome; Hereditary neoplastic syndrome; Neoplastic Syndromes, Hereditary. Identifiers: Orphanet 140162, MedGen C0027672, MeSH D009386, MONDO:0015356.

Submissions (2):

Labcorp Genetics (formerly Invitae), Labcorp
Classification: Uncertain significance. Last evaluated: 2025-10-05. Review status: criteria provided, single submitter. Criteria: Invitae Variant Classification Sherloc (09022015). Collection method: clinical testing. Allele origin: germline.
Comment: This sequence change replaces glutamic acid, which is acidic and polar, with glycine, which is neutral and non-polar, at codon 349 of the POLE protein (p.Glu349Gly). This variant is not present in population databases (gnomAD no frequency). This variant has not been reported in the literature in individuals affected with POLE-related conditions. ClinVar contains an entry for this variant (Variation ID: 486121). Invitae Evidence Modeling of protein sequence and biophysical properties (such as structural, functional, and spatial information, amino acid conservation, physicochemical variation, residue mobility, and thermodynamic stability) indicates that this missense variant is not expected to disrupt POLE protein function with a negative predictive value of 80%. In summary, the available evidence is currently insufficient to determine the role of this variant in disease. Therefore, it has been classified as a Variant of Uncertain Significance.

Ambry Genetics
Classification: Uncertain significance for Hereditary cancer-predisposing syndrome. Last evaluated: 2025-08-14. Review status: criteria provided, single submitter. Criteria: Ambry Variant Classification Scheme 2023. Collection method: clinical testing. Allele origin: germline.
Comment: The p.E349G variant (also known as c.1046A>G), located in coding exon 11 of the POLE gene, results from an A to G substitution at nucleotide position 1046. The glutamic acid at codon 349 is replaced by glycine, an amino acid with similar properties. This amino acid position is not well conserved in available vertebrate species. In addition, the in silico prediction for this alteration is inconclusive. Based on the available evidence, the clinical significance of this variant remains unclear.